The following is an entry in ClinVar:

NM_173598.6(KSR2):c.1816C>T (p.Pro606Ser)

Gene: KSR2 (kinase suppressor of ras 2; minus strand). Cytogenetic location: 12q24.22.
Variant type: single nucleotide variant.
Coding change: c.1816C>T on transcript NM_173598.6 (MANE Select); coding-DNA position 1816, C replaced by T.
Protein change: p.Pro606Ser; replaces proline 606 with serine.
Molecular consequence: missense variant.
Genome position (GRCh38, 1-based): chr12:117,527,106, G>A on the plus strand (C>T on the coding strand, the complement: KSR2 is on the minus strand). VCF-style: chr12-117527106-G-A. GRCh37 (hg19) VCF-style: chr12-117964911-G-A.
Other names: short protein forms P606S.
Identifiers: ClinVar variation 3351965 (VCV003351965.2).

ClinVar aggregate classification (germline): Uncertain significance (1 of 4 stars; one submission).

Conditions:
KSR2-related disorder. Also called: KSR2-related condition.

gnomAD v4.1: 3 of 1,613,070 alleles (0.00019%); highest among the groups gnomAD compares: African/African-American, 0.0027%; no homozygotes.

Submission:

PreventionGenetics, part of Exact Sciences
Classification: Uncertain significance for KSR2-related condition. Last evaluated: 2026-02-27. Review status: criteria provided, single submitter. Criteria: ACMG Guidelines, 2015. Collection method: clinical testing. Allele origin: germline.
Comment: The KSR2 c.1729C>T variant is predicted to result in the amino acid substitution p.Pro577Ser. To our knowledge, this variant has not been reported in the literature. This variant is reported in 0.12% of alleles in individuals of Latino descent in gnomAD. At this time, the clinical significance of this variant is uncertain due to the absence of conclusive functional and genetic evidence.